The following is an entry in ClinVar:

NM_198525.3(KIF7):c.1444-4A>G

Gene: KIF7 (kinesin family member 7; minus strand). Cytogenetic location: 15q26.1.
Variant type: single nucleotide variant.
Coding change: c.1444-4A>G on transcript NM_198525.3 (MANE Select); 4 bases into the intron before coding-DNA position 1444, A replaced by G.
Molecular consequence: intron variant.
Genome position (GRCh38, 1-based): chr15:89,647,716, T>C on the plus strand (A>G on the coding strand, the complement: KIF7 is on the minus strand). VCF-style: chr15-89647716-T-C. GRCh37 (hg19) VCF-style: chr15-90190947-T-C.
Other names: p.?.
Identifiers: ClinVar variation 129405 (VCV000129405.29), dbSNP rs112333674, ClinGen allele CA020216.

ClinVar aggregate classification (germline): Benign. Review status: criteria provided, multiple submitters, no conflicts (2 of 4 stars). 11 submissions from 11 submitters: Benign (7). 4 of the submissions do not count toward it. Last evaluated 2026-02-02.

Conditions:
Acrocallosal syndrome (ACLS). Also called: HALLUX DUPLICATION, POSTAXIAL POLYDACTYLY, AND ABSENCE OF CORPUS CALLOSUM; Schinzel syndrome 1; Absence of corpus callosum with unusual facial appearance, mental deficiency, duplication of the halluces and polydactyly. Identifiers: Orphanet 36, MedGen C0796147, MONDO:0008708, OMIM 200990.

Allele frequency attached by ClinVar (database versions not stated): gnomAD exomes 0.00206 and 0.00512; ExAC 0.01072; ESP Exome Variant Server 0.02018; gnomAD 0.02050 and 0.02204; TOPMed 0.02330; 1000 Genomes Project 0.02356; 1000 Genomes Project 30x 0.02374.
gnomAD v4.1: 6,146 of 1,559,788 alleles (0.39%); highest among the groups gnomAD compares: African/African-American, 7.3%; 220 homozygotes.

Submissions (11):

Labcorp Genetics (formerly Invitae), Labcorp
Classification: Benign for Acrocallosal syndrome. Last evaluated: 2026-02-02. Review status: criteria provided, single submitter. Criteria: Invitae Variant Classification Sherloc (09022015). Collection method: clinical testing. Allele origin: germline.

Mayo Clinic Laboratories, Mayo Clinic
Classification: Benign. Last evaluated: 2023-04-10. Review status: criteria provided, single submitter. Criteria: ACMG Guidelines, 2015. Collection method: clinical testing. Allele origin: germline. Observed: 3 variant alleles.

Illumina Laboratory Services, Illumina
Classification: Benign for Acrocallosal syndrome. Last evaluated: 2018-01-13. Review status: criteria provided, single submitter. Criteria: ICSL Variant Classification Criteria 13 December 2019. Collection method: clinical testing. Allele origin: germline.
Comment: This variant was observed in the ICSL laboratory as part of a predisposition screen in an ostensibly healthy population. It had not been previously curated by ICSL or reported in the Human Gene Mutation Database (HGMD: prior to June 1st, 2018), and was therefore a candidate for classification through an automated scoring system. Utilizing variant allele frequency, disease prevalence and penetrance estimates, and inheritance mode, an automated score was calculated to assess if this variant is too frequent to cause the disease. Based on the score and internal cut-off values, a variant classified as benign is not then subjected to further curation. The score for this variant resulted in a classification of benign for this disease.

GeneDx
Classification: Benign. Last evaluated: 2015-03-03. Review status: criteria provided, single submitter. Criteria: GeneDx Variant Classification Process June 2021. Collection method: clinical testing. Allele origin: germline. Affected: yes.

Eurofins Ntd Llc (ga)
Classification: Benign. Last evaluated: 2014-09-03. Review status: criteria provided, single submitter. Criteria: EGL Classification Definitions 2015. Collection method: clinical testing. Allele origin: germline. Observed: 2 variant alleles, 2 heterozygotes.

Breakthrough Genomics
Classification: Benign. Review status: criteria provided, single submitter. Criteria: ACMG Guidelines, 2015. Collection method: not provided. Allele origin: germline. Inheritance: Autosomal recessive inheritance. Affected: yes.

PreventionGenetics, part of Exact Sciences
Classification: Benign. Review status: criteria provided, single submitter. Criteria: ACMG Guidelines, 2015. Collection method: clinical testing. Allele origin: germline.

Clinical Genetics DNA and cytogenetics Diagnostics Lab, Erasmus MC, Erasmus Medical Center
Classification: Benign. Review status: no assertion criteria provided. Collection method: clinical testing. Allele origin: germline. Affected: yes. Study: VKGL Data-share Consensus. Not counted in ClinVar's aggregate classification.

Genetic Services Laboratory, University of Chicago
Classification: Likely benign for AllHighlyPenetrant. Review status: no assertion criteria provided. Collection method: clinical testing. Allele origin: germline. Inheritance: Autosomal recessive inheritance. Not counted in ClinVar's aggregate classification.
Comment: Likely benign based on allele frequency in 1000 Genomes Project or ESP global frequency and its presence in a patient with a rare or unrelated disease phenotype. NOT Sanger confirmed.

Genome Diagnostics Laboratory, University Medical Center Utrecht
Classification: Benign. Review status: no assertion criteria provided. Collection method: clinical testing. Allele origin: germline. Affected: yes. Study: VKGL Data-share Consensus. Not counted in ClinVar's aggregate classification.

Laboratory of Diagnostic Genome Analysis, Leiden University Medical Center (LUMC)
Classification: Likely benign. Review status: no assertion criteria provided. Collection method: clinical testing. Allele origin: germline. Affected: yes. Study: VKGL Data-share Consensus. Not counted in ClinVar's aggregate classification.